The following is an entry in ClinVar:

ClinVar aggregate classification (germline): Uncertain significance (1 of 4 stars; one submission).

Submission:

Labcorp Genetics (formerly Invitae), Labcorp
Classification: Uncertain significance. Last evaluated: 2025-03-03. Review status: criteria provided, single submitter. Criteria: Invitae Variant Classification Sherloc (09022015). Collection method: clinical testing. Allele origin: germline.
Comment: This sequence change creates a premature translational stop signal (p.Leu9*) in the PLTP gene. It is expected to result in an absent or disrupted protein product. However, the current clinical and genetic evidence is not sufficient to establish whether loss-of-function variants in PLTP cause disease. This variant is present in population databases (rs754779197, gnomAD 0.003%). This variant has not been reported in the literature in individuals affected with PLTP-related conditions. In summary, the available evidence is currently insufficient to determine the role of this variant in disease. Therefore, it has been classified as a Variant of Uncertain Significance.

NM_006227.4(PLTP):c.25del (p.Phe8_Leu9insTer)

Gene: PLTP (phospholipid transfer protein; minus strand). Cytogenetic location: 20q13.12.
Variant type: Deletion.
Coding change: c.25del on transcript NM_006227.4 (MANE Select); coding-DNA position 25, one base deleted (C; older notation c.25delC).
Protein change: p.Phe8_Leu9insTer.
Molecular consequence: nonsense.
Genome position (GRCh38, 1-based): chr20:45,911,428, G deleted on the plus strand (C on the coding strand, the reverse complement: PLTP is on the minus strand); the first of 2 consecutive G bases (chr20:45,911,428-45,911,429); deleting either gives the same sequence. VCF-style (leftmost placement, unchanged base first): chr20-45911427-AG-A. GRCh37 (hg19) VCF-style: chr20-44540066-AG-A.
Other names: c.25del, p.Phe8_Leu9insTer (NM_001242920.2, NM_182676.3).
Identifiers: ClinVar variation 3629081 (VCV003629081.2).